The following is an entry in ClinVar:

NM_005228.5(EGFR):c.3209G>T (p.Ser1070Ile)

Gene: EGFR (epidermal growth factor receptor; plus strand). Cytogenetic location: 7p11.2.
Variant type: single nucleotide variant.
Coding change: c.3209G>T on transcript NM_005228.5 (MANE Select); coding-DNA position 3209, G replaced by T.
Protein change: p.Ser1070Ile; replaces serine 1070 with isoleucine.
Molecular consequence: missense variant.
Genome position (GRCh38, 1-based): chr7:55,202,563, G>T. VCF-style: chr7-55202563-G-T. GRCh37 (hg19) VCF-style: chr7-55270256-G-T.
Other names: c.3074G>T, p.Ser1025Ile (NM_001346897.2, NM_001346899.2); c.3209G>T, p.Ser1070Ile (NM_001346898.2); c.3050G>T, p.Ser1017Ile (NM_001346900.2); c.2408G>T, p.Ser803Ile (NM_001346941.2); short protein forms S1070I, S1017I, S1025I, S803I.
Identifiers: ClinVar variation 4732885 (VCV004732885.1).

ClinVar aggregate classification (germline): Uncertain significance (1 of 4 stars; one submission).

Conditions:
EGFR-related lung cancer (EGFR). Identifiers: MedGen CN130014.

Submission:

Labcorp Genetics (formerly Invitae), Labcorp
Classification: Uncertain significance for EGFR-related lung cancer. Last evaluated: 2025-12-10. Review status: criteria provided, single submitter. Criteria: Invitae Variant Classification Sherloc (09022015). Collection method: clinical testing. Allele origin: germline.
Comment: This sequence change replaces serine, which is neutral and polar, with isoleucine, which is neutral and non-polar, at codon 1070 of the EGFR protein (p.Ser1070Ile). This variant is not present in population databases (gnomAD no frequency). This variant has not been reported in the literature in individuals affected with EGFR-related conditions. An algorithm developed to predict the effect of missense changes on protein structure and function (PolyPhen-2) suggests that this variant is likely to be disruptive. In summary, the available evidence is currently insufficient to determine the role of this variant in disease. Therefore, it has been classified as a Variant of Uncertain Significance.